The following is an entry in ClinVar:

ClinVar aggregate classification (germline): Uncertain significance. Review status: criteria provided, multiple submitters, no conflicts (2 of 4 stars). 3 submissions from 3 submitters: Uncertain significance (3). Last evaluated 2025-09-15.

Conditions:
Familial focal epilepsy with variable foci (FPEVF). Identifiers: Orphanet 98820, MedGen C1858477, MONDO:0020310.

Allele frequency attached by ClinVar (database versions not stated): gnomAD exomes below 0.00001 and 0.00001; TOPMed 0.00001; ExAC 0.00002.
gnomAD v4.1: 6 of 1,614,164 alleles (0.00037%); highest among the groups gnomAD compares: Non-Finnish European, 0.00051%; no homozygotes.

Submissions (3):

Labcorp Genetics (formerly Invitae), Labcorp
Classification: Uncertain significance for Familial focal epilepsy with variable foci. Last evaluated: 2025-09-15. Review status: criteria provided, single submitter. Criteria: Invitae Variant Classification Sherloc (09022015). Collection method: clinical testing. Allele origin: germline.
Comment: This sequence change replaces lysine, which is basic and polar, with glutamic acid, which is acidic and polar, at codon 447 of the DEPDC5 protein (p.Lys447Glu). This variant is present in population databases (rs756972161, gnomAD 0.003%). This variant has not been reported in the literature in individuals affected with DEPDC5-related conditions. ClinVar contains an entry for this variant (Variation ID: 1315162). Experimental studies and prediction algorithms are not available or were not evaluated, and the functional significance of this variant is currently unknown. In summary, the available evidence is currently insufficient to determine the role of this variant in disease. Therefore, it has been classified as a Variant of Uncertain Significance.

Women's Health and Genetics/Laboratory Corporation of America, LabCorp
Classification: Uncertain significance. Last evaluated: 2025-07-14. Review status: criteria provided, single submitter. Criteria: LabCorp Variant Classification Summary - May 2015. Collection method: clinical testing. Allele origin: germline.
Comment: Variant summary: DEPDC5 c.1339A>G (p.Lys447Glu) results in a conservative amino acid change in the encoded protein sequence. Algorithms developed to predict the effect of missense changes on protein structure and function are either unavailable or do not agree on the potential impact of this missense change. The variant allele was found at a frequency of 1.2e-05 in 249524 control chromosomes. The available data on variant occurrences in the general population are insufficient to allow any conclusion about variant significance. To our knowledge, no occurrence of c.1339A>G in individuals affected with Epilepsy, Familial Focal, With Variable Foci 1 and no experimental evidence demonstrating its impact on protein function have been reported. ClinVar contains an entry for this variant (Variation ID: 1315162). Based on the evidence outlined above, the variant was classified as uncertain significance.

GeneDx
Classification: Uncertain significance. Last evaluated: 2020-08-24. Review status: criteria provided, single submitter. Criteria: GeneDx Variant Classification Process June 2021. Collection method: clinical testing. Allele origin: germline. Affected: yes.
Comment: Not observed at a significant frequency in large population cohorts (Lek et al., 2016); In silico analysis supports that this missense variant does not alter protein structure/function; Has not been previously published as pathogenic or benign to our knowledge

NM_001242896.3(DEPDC5):c.1339A>G (p.Lys447Glu)

Gene: DEPDC5 (DEP domain containing 5, GATOR1 subcomplex subunit; plus strand). Cytogenetic location: 22q12.3.
Variant type: single nucleotide variant.
Coding change: c.1339A>G on transcript NM_001242896.3 (MANE Select); coding-DNA position 1339, A replaced by G.
Protein change: p.Lys447Glu; replaces lysine 447 with glutamic acid.
Molecular consequence: missense variant. On other transcripts: non-coding transcript variant (5).
Genome position (GRCh38, 1-based): chr22:31,810,535, A>G. VCF-style: chr22-31810535-A-G. GRCh37 (hg19) VCF-style: chr22-32206521-A-G.
Other names: c.1339A>G, p.Lys447Glu (NM_001007188.4, NM_001136029.4, NM_001242897.2 and 7 more transcripts); c.1255A>G, p.Lys419Glu (NM_001369901.1, NM_001369902.1); short protein forms K419E, K447E.
Identifiers: ClinVar variation 1315162 (VCV001315162.13), dbSNP rs756972161, ClinGen allele CA10196346.
Genomic context (GRCh38, chr22:31,810,535, plus strand): 5'-GTTTGAAATGTATTTGATGACAATTTATATTATTTGTGTATTTCAGCTCTCGGGAGTCCA[A>G]AAGAATCTGAGAACGCCCTTCCCATCCAAGTAGATTATGACGCCTATGACGCTCAAGTGT-3'
Protein context (NP_001229825.1, residues 437-457): NGRDTSLGSP[Lys447Glu]ESENALPIQV